The following is an entry in ClinVar:

NM_002234.4(KCNA5):c.194G>C (p.Arg65Pro)

Gene: KCNA5 (potassium voltage-gated channel subfamily A member 5; plus strand). Cytogenetic location: 12p13.32.
Variant type: single nucleotide variant.
Coding change: c.194G>C on transcript NM_002234.4 (MANE Select); coding-DNA position 194, G replaced by C.
Protein change: p.Arg65Pro; replaces arginine 65 with proline.
Molecular consequence: missense variant.
Genome position (GRCh38, 1-based): chr12:5,044,341, G>C. VCF-style: chr12-5044341-G-C. GRCh37 (hg19) VCF-style: chr12-5153507-G-C.
Other names: short protein forms R65P.
Identifiers: ClinVar variation 3113039 (VCV003113039.3), dbSNP rs756236185, ClinGen allele CA6399562.

ClinVar aggregate classification (germline): Uncertain significance. Review status: criteria provided, multiple submitters, no conflicts (2 of 4 stars). 2 submissions from 2 submitters: Uncertain significance (2). Last evaluated 2025-10-10.

Conditions:
Atrial fibrillation, familial, 7 (ATFB7). Identifiers: MedGen C2677106, MONDO:0012828, OMIM 612240.
Inborn genetic diseases. Identifiers: MedGen C0950123, MeSH D030342.

Allele frequency attached by ClinVar (database versions not stated): gnomAD 0.00002; TOPMed 0.00002; ExAC 0.00006.

Submissions (2):

Labcorp Genetics (formerly Invitae), Labcorp
Classification: Uncertain significance for Atrial fibrillation, familial, 7. Last evaluated: 2025-10-10. Review status: criteria provided, single submitter. Criteria: Invitae Variant Classification Sherloc (09022015). Collection method: clinical testing. Allele origin: germline.
Comment: This sequence change replaces arginine, which is basic and polar, with proline, which is neutral and non-polar, at codon 65 of the KCNA5 protein (p.Arg65Pro). This variant is present in population databases (rs756236185, gnomAD 0.01%). This variant has not been reported in the literature in individuals affected with KCNA5-related conditions. ClinVar contains an entry for this variant (Variation ID: 3113039). Experimental studies and prediction algorithms are not available or were not evaluated, and the functional significance of this variant is currently unknown. In summary, the available evidence is currently insufficient to determine the role of this variant in disease. Therefore, it has been classified as a Variant of Uncertain Significance.

Ambry Genetics
Classification: Uncertain significance for Inborn genetic diseases. Last evaluated: 2023-12-15. Review status: criteria provided, single submitter. Criteria: Ambry Variant Classification Scheme 2023. Collection method: clinical testing. Allele origin: germline.